The following is an entry in ClinVar:

GRCh38/hg38 16p13.12-13.11(chr16:14639096-16431491)x3

Genes: ABCC1 (ATP binding cassette subfamily C member 1 (ABCC1 blood group); plus strand), ABCC6 (ATP binding cassette subfamily C member 6; minus strand), BFAR (bifunctional apoptosis regulator; plus strand), BMERB1 (bMERB domain containing 1; plus strand), CEP20 (centrosomal protein 20; minus strand) and 55 more. Cytogenetic location: 16p13.12-13.11.
Variant type: copy number gain.
Change: copy number 3 (three copies instead of two) of chr16:14,639,096-16,431,491 (1.79 Mb, GRCh38 coordinates, 1-based), cytogenetic band 16p13.12-13.11.
Identifiers: ClinVar variation 57620 (VCV000057620.2).

ClinVar aggregate classification (germline): Uncertain significance (1 of 4 stars; one submission).

Submission:

ISCA Site 6
Classification: Uncertain significance. Last evaluated: 2011-08-12. Review status: criteria provided, single submitter. Criteria: Kaminsky et al. (Genet Med. 2011). Collection method: clinical testing. Allele origin: paternal. Affected: yes. Observed: 1 variant allele.
Comment: Copy number variation identified through the course of routine clinical cytogenomic testing in postnatal populations. Clinical assertions have been curated as described in Kaminsky et al. 2011.